The following is an entry in ClinVar:

ClinVar aggregate classification (germline): Uncertain significance (1 of 4 stars; one submission).

Conditions:
Neuropathy, hereditary sensory, type 1F. Also called: Hereditary sensory neuropathy type IF; HSN IF. Identifiers: Orphanet 36386, MedGen C3810194, MONDO:0014286, OMIM 615632.

Submission:

Labcorp Genetics (formerly Invitae), Labcorp
Classification: Uncertain significance for Neuropathy, hereditary sensory, type 1F. Last evaluated: 2024-03-01. Review status: criteria provided, single submitter. Criteria: Invitae Variant Classification Sherloc (09022015). Collection method: clinical testing. Allele origin: germline.
Comment: This sequence change falls in intron 3 of the ATL3 gene. It does not directly change the encoded amino acid sequence of the ATL3 protein. It affects a nucleotide within the consensus splice site. This variant is present in population databases (rs767923369, gnomAD 0.006%). This variant has not been reported in the literature in individuals affected with ATL3-related conditions. Variants that disrupt the consensus splice site are a relatively common cause of aberrant splicing (PMID: 17576681, 9536098). Algorithms developed to predict the effect of sequence changes on RNA splicing suggest that this variant is not likely to affect RNA splicing. In summary, the available evidence is currently insufficient to determine the role of this variant in disease. Therefore, it has been classified as a Variant of Uncertain Significance.

Literature cited by the submitters: PubMed 17576681; PubMed 9536098.

NM_015459.5(ATL3):c.405+4del

Genes: ATL3 (atlastin GTPase 3; minus strand), LNCROPM (lncRNA regulator of PLAAT3 mediated phospholipid metabolism; plus strand). Cytogenetic location: 11q13.1.
Variant type: Deletion.
Coding change: c.405+4del on transcript NM_015459.5 (MANE Select); 4 bases into the intron after coding-DNA position 405, one base deleted (A; older notation c.405+4delA).
Molecular consequence: intron variant.
Genome position (GRCh38, 1-based): chr11:63,658,757, T deleted on the plus strand (A on the coding strand, the reverse complement: ATL3 is on the minus strand); the first of 2 consecutive T bases (chr11:63,658,757-63,658,758); deleting either gives the same sequence. VCF-style (leftmost placement, unchanged base first): chr11-63658756-CT-C. GRCh37 (hg19) VCF-style: chr11-63426228-CT-C.
Other names: c.351+4del (NM_001290048.2).
Identifiers: ClinVar variation 3626504 (VCV003626504.2).